The following is an entry in ClinVar:

ClinVar aggregate classification (germline): Uncertain significance (1 of 4 stars; one submission).

Submission:

GeneDx
Classification: Uncertain significance. Last evaluated: 2025-04-30. Review status: criteria provided, single submitter. Criteria: GeneDx Variant Classification Process June 2021. Collection method: clinical testing. Allele origin: germline. Affected: yes.
Comment: Not observed at significant frequency in large population cohorts (gnomAD); Has not been previously published as pathogenic or benign to our knowledge; Frameshift variant predicted to result in abnormal protein length as the last 98 amino acids are replaced with 6 different amino acids with an unclear effect on protein function

NM_001371727.1(GABRB2):c.1243del (p.Met415fs)

Gene: GABRB2 (gamma-aminobutyric acid type A receptor subunit beta2; minus strand). Cytogenetic location: 5q34.
Variant type: Deletion.
Coding change: c.1243del on transcript NM_001371727.1 (MANE Select); coding-DNA position 1243, one base deleted (A; older notation c.1243delA).
Protein change: p.Met415fs; shifts the reading frame from methionine 415.
Molecular consequence: frameshift variant.
Genome position (GRCh38, 1-based): chr5:161,294,377, T deleted on the plus strand (A on the coding strand, the reverse complement: GABRB2 is on the minus strand); the first of 3 consecutive T bases (chr5:161,294,377-161,294,379); deleting any one gives the same sequence. VCF-style (leftmost placement, unchanged base first): chr5-161294376-AT-A. GRCh37 (hg19) VCF-style: chr5-160721383-AT-A.
Other names: c.1129del, p.Met377fs (NM_000813.3); c.1243del, p.Met415fs (NM_021911.3); short protein forms M377fs, M415fs.
Identifiers: ClinVar variation 4527899 (VCV004527899.1).